The following is an entry in ClinVar:

NM_000128.4(F11):c.595+11A>G

Gene: F11 (coagulation factor XI; plus strand). Cytogenetic location: 4q35.2.
Variant type: single nucleotide variant.
Coding change: c.595+11A>G on transcript NM_000128.4 (MANE Select); 11 bases into the intron after coding-DNA position 595, A replaced by G.
Molecular consequence: intron variant.
Genome position (GRCh38, 1-based): chr4:186,275,907, A>G. VCF-style: chr4-186275907-A-G. GRCh37 (hg19) VCF-style: chr4-187197061-A-G.
Other names: c.595+11A>G (NM_000128.3).
Identifiers: ClinVar variation 2142816 (VCV002142816.7), dbSNP rs534170853, ClinGen allele CA3163712.

ClinVar aggregate classification (germline): Conflicting classifications of pathogenicity. Review status: criteria provided, conflicting classifications (1 of 4 stars). 3 submissions from 3 submitters: Likely pathogenic (1); Likely benign (1). 1 of the submissions does not count toward it. Last evaluated 2025-06-08.

Conditions:
F11-related disorder. Also called: F11-related condition.
Plasma factor XI deficiency.

Allele frequency attached by ClinVar (database versions not stated): gnomAD 0.00001; gnomAD exomes 0.00002; ExAC 0.00005; 1000 Genomes Project 30x 0.00016; 1000 Genomes Project 0.00020.

Submissions (3):

Labcorp Genetics (formerly Invitae), Labcorp
Classification: Likely benign. Last evaluated: 2025-06-08. Review status: criteria provided, single submitter. Criteria: Invitae Variant Classification Sherloc (09022015). Collection method: clinical testing. Allele origin: germline.

Natera, Inc.
Classification: Likely pathogenic for Plasma factor XI deficiency. Last evaluated: 2025-04-15. Review status: criteria provided, single submitter. Criteria: Natera Variant Classification Schema (03/2026). Collection method: clinical testing. Allele origin: germline.
Comment: The c.595+11A>G variant in F11 is an intronic variant located outside the canonical splice sites. This variant is rare in the general population with a frequency below the threshold expected for the associated phenotype(s). This variant has been observed in affected individual(s) with monoallelic occurrence (heterozygous/hemizygous) (PMID: 29178608). Functional studies show that this variant may disrupt protein function (PMID: 29178608). Multiple computational prediction algorithms suggest this variant is unlikely to affect gene or protein function. Given the available evidence, this variant is classified as Likely Pathogenic.

PreventionGenetics, part of Exact Sciences
Classification: Uncertain significance for F11-related condition. Last evaluated: 2023-12-05. Review status: no assertion criteria provided. Collection method: clinical testing. Allele origin: germline. Not counted in ClinVar's aggregate classification.
Comment: The F11 c.595+11A>G variant is predicted to interfere with splicing. This variant was reported in the heterozygous state in an individual with Factor XI deficiency and an in vitro assay showed a possible effect on splicing (Rimoldi et al 2018. PubMed ID: 29178608). This variant is reported in 0.024% of alleles in individuals of South Asian descent in gnomAD. At this time the clinical significant of this variant is uncertain.

Literature cited by the submitters: PubMed 29178608 (cited by Natera, Inc.).